The following is an entry in ClinVar:

NM_001127511.3(APC):c.-186G>T

Genes: APC (APC regulator of Wnt signaling pathway; plus strand), LOC129994371 (ATAC-STARR-seq lymphoblastoid active region 22910; plus strand). Cytogenetic location: 5q22.2.
Variant type: single nucleotide variant.
Coding change: c.-186G>T on transcript NM_001127511.3; 186 bases upstream of the start codon, G replaced by T.
Molecular consequence: 5 prime UTR variant. On other transcripts: non-coding transcript variant (2).
Genome position (GRCh38, 1-based): chr5:112,707,532, G>T. VCF-style: chr5-112707532-G-T. GRCh37 (hg19) VCF-style: chr5-112043229-G-T.
Other names: c.-369G>T (NM_001354895.2, NM_001407447.1, NM_001407452.1 and 3 more transcripts); c.-186G>T (NM_001354897.2, NM_001354902.2, NM_001407446.1); c.-136G>T (NM_001407448.1, NM_001407450.1, NM_001407457.1 and 1 more transcripts); c.-160G>T (NM_001407453.1); c.-1404G>T (NM_001407470.1, NM_001407472.1).
Identifiers: ClinVar variation 537684 (VCV000537684.7), dbSNP rs1554060187, ClinGen allele CA658796605.

ClinVar aggregate classification (germline): Uncertain significance (1 of 4 stars; one submission).

Conditions:
Familial adenomatous polyposis 1 (FAP1). Also called: FAMILIAL ADENOMATOUS POLYPOSIS 1, ATTENUATED; POLYPOSIS, ADENOMATOUS INTESTINAL. Identifiers: MedGen C2713442, MONDO:0021056, OMIM 175100. Disease mechanism: loss of function.

Submission:

Labcorp Genetics (formerly Invitae), Labcorp
Classification: Uncertain significance for Familial adenomatous polyposis 1. Last evaluated: 2021-09-01. Review status: criteria provided, single submitter. Criteria: Invitae Variant Classification Sherloc (09022015). Collection method: clinical testing. Allele origin: germline.
Comment: This variant occurs in a non-coding region of the APC gene. It does not change the encoded amino acid sequence of the APC protein. The frequency data for this variant in the population databases is considered unreliable, as metrics indicate insufficient coverage at this position in the ExAC database. This variant has not been reported in the literature in individuals affected with APC-related conditions. ClinVar contains an entry for this variant (Variation ID: 537684). Experimental studies and prediction algorithms are not available or were not evaluated, and the functional significance of this variant is currently unknown. In summary, the available evidence is currently insufficient to determine the role of this variant in disease. Therefore, it has been classified as a Variant of Uncertain Significance.